The following is an entry in ClinVar:

NM_000051.4(ATM):c.5404C>A (p.His1802Asn)

Gene: ATM (ATM serine/threonine kinase; plus strand). Cytogenetic location: 11q22.3.
Variant type: single nucleotide variant.
Coding change: c.5404C>A on transcript NM_000051.4 (MANE Select); coding-DNA position 5404, C replaced by A.
Protein change: p.His1802Asn; replaces histidine 1802 with asparagine.
Molecular consequence: missense variant.
Genome position (GRCh38, 1-based): chr11:108,302,937, C>A. VCF-style: chr11-108302937-C-A. GRCh37 (hg19) VCF-style: chr11-108173664-C-A.
Other names: c.5404C>A, p.His1802Asn (NM_001351834.2); short protein forms H1802N.
Identifiers: ClinVar variation 4747230 (VCV004747230.1).

ClinVar aggregate classification (germline): Uncertain significance (1 of 4 stars; one submission).

Conditions:
Ataxia-telangiectasia syndrome (AT). Also called: Ataxia-telangiectasia, complementation group D; AT, COMPLEMENTATION GROUP C; Ataxia-telangiectasia; Ataxia telangiectasia (A-T); LOUIS-BAR SYNDROME; Cerebello-oculocutaneous telangiectasia. Identifiers: Orphanet 100, MedGen C0004135, MONDO:0008840, OMIM 208900.

Submission:

Labcorp Genetics (formerly Invitae), Labcorp
Classification: Uncertain significance for Ataxia-telangiectasia syndrome. Last evaluated: 2025-08-18. Review status: criteria provided, single submitter. Criteria: Invitae Variant Classification Sherloc (09022015). Collection method: clinical testing. Allele origin: germline.
Comment: This sequence change replaces histidine, which is basic and polar, with asparagine, which is neutral and polar, at codon 1802 of the ATM protein (p.His1802Asn). This variant is not present in population databases (gnomAD no frequency). This variant has not been reported in the literature in individuals affected with ATM-related conditions. Invitae Evidence Modeling of protein sequence and biophysical properties (such as structural, functional, and spatial information, amino acid conservation, physicochemical variation, residue mobility, and thermodynamic stability) has been performed for this missense variant. However, the output from this modeling did not meet the statistical confidence thresholds required to predict the impact of this variant on ATM protein function. In summary, the available evidence is currently insufficient to determine the role of this variant in disease. Therefore, it has been classified as a Variant of Uncertain Significance.